The following is an entry in ClinVar:

ClinVar aggregate classification (germline): Uncertain significance (1 of 4 stars; one submission).

Allele frequency attached by ClinVar (database versions not stated): gnomAD exomes below 0.00001.
gnomAD v4.1: 1 of 1,614,118 alleles (0.000062%); highest among the groups gnomAD compares: East Asian, 0.0022%; no homozygotes.

Submission:

Ambry Genetics
Classification: Uncertain significance. Last evaluated: 2024-11-10. Review status: criteria provided, single submitter. Criteria: Ambry Variant Classification Scheme 2023. Collection method: clinical testing. Allele origin: germline.
Comment: The p.V954M variant (also known as c.2860G>A), located in coding exon 4 of the ALPK2 gene, results from a G to A substitution at nucleotide position 2860. The valine at codon 954 is replaced by methionine, an amino acid with highly similar properties. This amino acid position is conserved. In addition, this alteration is predicted to be tolerated by in silico analysis. Since supporting evidence is limited at this time, the clinical significance of this alteration remains unclear.

NM_052947.4(ALPK2):c.2860G>A (p.Val954Met)

Gene: ALPK2 (alpha kinase 2; minus strand). Cytogenetic location: 18q21.31.
Variant type: single nucleotide variant.
Coding change: c.2860G>A on transcript NM_052947.4 (MANE Select); coding-DNA position 2860, G replaced by A.
Protein change: p.Val954Met; replaces valine 954 with methionine.
Molecular consequence: missense variant.
Genome position (GRCh38, 1-based): chr18:58,537,327, C>T on the plus strand (G>A on the coding strand, the complement: ALPK2 is on the minus strand). VCF-style: chr18-58537327-C-T. GRCh37 (hg19) VCF-style: chr18-56204559-C-T.
Other names: short protein forms V954M.
Identifiers: ClinVar variation 1796955 (VCV001796955.3), dbSNP rs2518877160, ClinGen allele CA402569618.